The following is an entry in ClinVar:

ClinVar aggregate classification (germline): Likely benign. Review status: criteria provided, multiple submitters, no conflicts (2 of 4 stars). 3 submissions from 3 submitters: Likely benign (2). 1 of the submissions does not count toward it. Last evaluated 2024-01-04.

Conditions:
Pyruvate dehydrogenase E1-alpha deficiency (PDHAD). Also called: Ataxia, intermittent, with pyruvate dehydrogenase, or decarboxylase, deficiency; ATAXIA, INTERMITTENT, WITH PYRUVATE DEHYDROGENASE DEFICIENCY; ATAXIA WITH LACTIC ACIDOSIS I; ATAXIA, INTERMITTENT, WITH ABNORMAL PYRUVATE METABOLISM. Identifiers: Orphanet 79243, MedGen C1839413, MONDO:0010717, OMIM 312170.
Pyruvate dehydrogenase complex deficiency (PDHC). Also called: Pyruvate Dehydrogenase Complex Deficiency Disease; Pyruvate dehydrogenase deficiency; Ataxia with lactic acidosis 1; PYRUVATE DECARBOXYLASE DEFICIENCY; PDH DEFICIENCY. Identifiers: Orphanet 765, Orphanet 79243, MedGen C0034345, MONDO:0019169.

Allele frequency attached by ClinVar (database versions not stated): ExAC 0.00002; gnomAD exomes 0.00003; gnomAD 0.00004; TOPMed 0.00005.
gnomAD v4.1: 11 of 1,205,534 alleles (0.00091%); highest among the groups gnomAD compares: African/African-American, 0.014%; no homozygotes.

Submissions (3):

Labcorp Genetics (formerly Invitae), Labcorp
Classification: Likely benign for Pyruvate dehydrogenase E1-alpha deficiency. Last evaluated: 2024-01-04. Review status: criteria provided, single submitter. Criteria: Invitae Variant Classification Sherloc (09022015). Collection method: clinical testing. Allele origin: germline.

CeGaT Center for Human Genetics Tuebingen
Classification: Likely benign. Last evaluated: 2022-09-01. Review status: criteria provided, single submitter. Criteria: CeGaT Center For Human Genetics Tuebingen Variant Classification Criteria Version 2. Collection method: clinical testing. Allele origin: germline. Affected: yes. Observed: 1 variant allele.
Comment: PDHA1: PP2, BS2

Natera, Inc.
Classification: Likely benign for Pyruvate decarboxylase deficiency. Last evaluated: 2019-11-11. Review status: no assertion criteria provided. Collection method: clinical testing. Allele origin: germline. Not counted in ClinVar's aggregate classification.

NM_000284.4(PDHA1):c.126C>G (p.Asp42Glu)

Gene: PDHA1 (pyruvate dehydrogenase E1 subunit alpha 1; plus strand). Cytogenetic location: Xp22.12.
Variant type: single nucleotide variant.
Coding change: c.126C>G on transcript NM_000284.4 (MANE Select); coding-DNA position 126, C replaced by G.
Protein change: p.Asp42Glu; replaces aspartic acid 42 with glutamic acid.
Molecular consequence: missense variant.
Genome position (GRCh38, 1-based): chrX:19,349,945, C>G. VCF-style: chrX-19349945-C-G. GRCh37 (hg19) VCF-style: chrX-19368063-C-G.
Other names: c.240C>G, p.Asp80Glu (NM_001173454.2); c.126C>G, p.Asp42Glu (NM_001173455.2, NM_001173456.2); short protein forms D42E, D80E.
Identifiers: ClinVar variation 1122021 (VCV001122021.33), dbSNP rs759331650, ClinGen allele CA10362999.
Genomic context (GRCh38, chrX:19,349,945, plus strand): 5'-AGTGTTTGCAATGTAGTATGTGGAGGATAATAACTACCTTATTCCATTTCAGAAATGTGA[C>G]CTTCACCGGCTGGAAGAAGGCCCTCCTGTCACAACAGTGCTCACCAGGGAGGATGGGCTC-3'
Protein context (NP_000275.1, residues 32-52): NDATFEIKKC[Asp42Glu]LHRLEEGPPV